The following is an entry in ClinVar:

NM_000051.4(ATM):c.6224_6229dup (p.Ile2076_Leu2077insHisIle)

Genes: ATM (ATM serine/threonine kinase; plus strand), C11orf65 (chromosome 11 open reading frame 65; minus strand). Cytogenetic location: 11q22.3.
Variant type: Duplication.
Coding change: c.6224_6229dup on transcript NM_000051.4 (MANE Select); coding-DNA positions 6224 to 6229, 6 bases duplicated (ATATTC; older notation c.6224_6229dupATATTC).
Protein change: p.Ile2076_Leu2077insHisIle.
Molecular consequence: inframe insertion. On other transcripts: intron variant (2).
Genome position (GRCh38, 1-based): chr11:108,317,398-108,317,403, ATATTC duplicated; duplicating any 6 consecutive bases within chr11:108,317,397-108,317,403 gives the same sequence; the c. name uses the placement nearest the transcript's 3' end. VCF-style (leftmost placement, unchanged base first): chr11-108317396-C-CCATATT. GRCh37 (hg19) VCF-style: chr11-108188123-C-CCATATT.
Other names: c.6224_6229dup, p.Ile2076_Leu2077insHisIle (NM_001351834.2); c.641-8331_641-8326dup (NM_001330368.2); c.*39-8331_*39-8326dup (NM_001351110.2).
Identifiers: ClinVar variation 4823745 (VCV004823745.4).

ClinVar aggregate classification (germline): Uncertain significance (1 of 4 stars; one submission).

Submission:

CeGaT Center for Human Genetics Tuebingen
Classification: Uncertain significance. Last evaluated: 2026-03-01. Review status: criteria provided, single submitter. Criteria: CeGaT Center For Human Genetics Tuebingen Variant Classification Criteria Version 2. Collection method: clinical testing. Allele origin: germline. Affected: yes. Observed: 1 variant allele.
Comment: ATM: PM2, PM4